The following is an entry in ClinVar:

NM_004544.4(NDUFA10):c.890T>C (p.Leu297Pro)

Gene: NDUFA10 (NADH:ubiquinone oxidoreductase subunit A10; minus strand). Cytogenetic location: 2q37.3.
Variant type: single nucleotide variant.
Coding change: c.890T>C on transcript NM_004544.4 (MANE Select); coding-DNA position 890, T replaced by C.
Protein change: p.Leu297Pro; replaces leucine 297 with proline.
Molecular consequence: missense variant. On other transcripts: non-coding transcript variant (4).
Genome position (GRCh38, 1-based): chr2:240,005,210, A>G on the plus strand (T>C on the coding strand, the complement: NDUFA10 is on the minus strand). VCF-style: chr2-240005210-A-G. GRCh37 (hg19) VCF-style: chr2-240944627-A-G.
Other names: c.890T>C, p.Leu297Pro (NM_001322019.2, NM_001322020.2, NM_001410987.1); short protein forms L297P.
Identifiers: ClinVar variation 3767163 (VCV003767163.1).

ClinVar aggregate classification (germline): Likely pathogenic (1 of 4 stars; one submission).

Conditions:
Mitochondrial complex I deficiency, nuclear type 22. Also called: Mitochondrial complex 1 deficiency, nuclear type 22. Identifiers: MedGen C4748796, MONDO:0032626, OMIM 618243.

Submission:

Service de Génétique Médicale, Centre Hospitalier Universitaire de Nice-Université Côte d'Azur
Classification: Likely pathogenic for Mitochondrial complex I deficiency, nuclear type 22. Last evaluated: 2024-02-27. Review status: criteria provided, single submitter. Criteria: ACMG Guidelines, 2015. Collection method: clinical testing. Allele origin: germline. Affected: yes.

Literature cited by the submitters: PubMed 38703036.